The following is an entry in ClinVar:

NM_006949.4(STXBP2):c.1363G>C (p.Gly455Arg)

Gene: STXBP2 (syntaxin binding protein 2; plus strand). Cytogenetic location: 19p13.2.
Variant type: single nucleotide variant.
Coding change: c.1363G>C on transcript NM_006949.4 (MANE Select); coding-DNA position 1363, G replaced by C.
Protein change: p.Gly455Arg; replaces glycine 455 with arginine.
Molecular consequence: missense variant. On other transcripts: non-coding transcript variant (1).
Genome position (GRCh38, 1-based): chr19:7,646,255, G>C. VCF-style: chr19-7646255-G-C. GRCh37 (hg19) VCF-style: chr19-7711141-G-C.
Other names: c.1354G>C, p.Gly452Arg (NM_001127396.3); c.1396G>C, p.Gly466Arg (NM_001272034.2); c.1267G>C, p.Gly423Arg (NM_001414484.1); short protein forms G423R, G452R, G455R, G466R.
Identifiers: ClinVar variation 2428006 (VCV002428006.6), dbSNP rs1374880013, ClinGen allele CA403161537.

ClinVar aggregate classification (germline): Uncertain significance (1 of 4 stars; one submission).

Conditions:
Familial hemophagocytic lymphohistiocytosis 5. Also called: STXBP2-Related Familial Hemophagocytic Lymphohistiocytosis (STXBP2-fHLH). Identifiers: Orphanet 540, MedGen C2751293, MONDO:0013135, OMIM 613101.

Allele frequency attached by ClinVar (database versions not stated): gnomAD 0.00001; TOPMed 0.00001.

Submission:

Labcorp Genetics (formerly Invitae), Labcorp
Classification: Uncertain significance for Familial hemophagocytic lymphohistiocytosis 5. Last evaluated: 2022-05-15. Review status: criteria provided, single submitter. Criteria: Invitae Variant Classification Sherloc (09022015). Collection method: clinical testing. Allele origin: germline.
Comment: This sequence change replaces glycine, which is neutral and non-polar, with arginine, which is basic and polar, at codon 455 of the STXBP2 protein (p.Gly455Arg). This variant is present in population databases (no rsID available, gnomAD 0.01%). This variant has not been reported in the literature in individuals affected with STXBP2-related conditions. Algorithms developed to predict the effect of missense changes on protein structure and function (SIFT, PolyPhen-2, Align-GVGD) all suggest that this variant is likely to be tolerated. In summary, the available evidence is currently insufficient to determine the role of this variant in disease. Therefore, it has been classified as a Variant of Uncertain Significance.